The following is an entry in ClinVar:

ClinVar aggregate classification (germline): Pathogenic/Likely pathogenic. Review status: criteria provided, multiple submitters, no conflicts (2 of 4 stars). 2 submissions from 2 submitters: Pathogenic (1); Likely pathogenic (1). Last evaluated 2025-02-03.

Conditions:
Short stature-optic atrophy-Pelger-Huët anomaly syndrome. Also called: Short stature, optic nerve atrophy, and Pelger-Huet anomaly; Short stature-optic atrophy-Pelger-HuC+t anomaly syndrome. Identifiers: Orphanet 391677, MedGen C3541319, MONDO:0013889, OMIM 614800.
Infantile liver failure syndrome 2 (ILFS2). Identifiers: MedGen C3809651, MONDO:0014659, OMIM 616483.

Submissions (2):

Labcorp Genetics (formerly Invitae), Labcorp
Classification: Pathogenic. Last evaluated: 2025-02-03. Review status: criteria provided, single submitter. Criteria: Invitae Variant Classification Sherloc (09022015). Collection method: clinical testing. Allele origin: germline.
Comment: This sequence change creates a premature translational stop signal (p.Leu2251Cysfs*5) in the NBAS gene. It is expected to result in an absent or disrupted protein product. Loss-of-function variants in NBAS are known to be pathogenic (PMID: 26073778, 26541327, 27789416, 28031453). This variant is present in population databases (no rsID available, gnomAD 0.006%). This variant has not been reported in the literature in individuals affected with NBAS-related conditions. ClinVar contains an entry for this variant (Variation ID: 1370419). For these reasons, this variant has been classified as Pathogenic.

Juno Genomics, Hangzhou Juno Genomics, Inc
Classification: Likely pathogenic for Infantile liver failure syndrome 2; Short stature-optic atrophy-Pelger-Huët anomaly syndrome. Review status: criteria provided, single submitter. Criteria: ACMG Guidelines, 2015. Collection method: clinical testing. Allele origin: germline.
Comment: Null variant in a gene where loss of function (LOF) is a known mechanism of disease.;Absent from controls (or at extremely low frequency if recessive) in Genome Aggregation Database.

Literature cited by the submitters: PubMed 26073778 (cited by Labcorp Genetics (formerly Invitae), Labcorp); PubMed 26541327 (cited by Labcorp Genetics (formerly Invitae), Labcorp); PubMed 27789416 (cited by Labcorp Genetics (formerly Invitae), Labcorp); PubMed 28031453 (cited by Labcorp Genetics (formerly Invitae), Labcorp).

NM_015909.4(NBAS):c.6751_6754del (p.Leu2251fs)

Gene: NBAS (NBAS subunit of NRZ tethering complex; minus strand). Cytogenetic location: 2p24.3.
Variant type: Deletion.
Coding change: c.6751_6754del on transcript NM_015909.4 (MANE Select); coding-DNA positions 6751 to 6754, 4 bases deleted (CTCC; older notation c.6751_6754delCTCC).
Protein change: p.Leu2251fs; shifts the reading frame from leucine 2251.
Molecular consequence: frameshift variant. On other transcripts: non-coding transcript variant (1).
Genome position (GRCh38, 1-based): chr2:15,179,074-15,179,077, GGAG deleted on the plus strand (CTCC on the coding strand, the reverse complement: NBAS is on the minus strand); deleting any 4 consecutive bases within chr2:15,179,074-15,179,080 gives the same sequence; the c. name uses the placement nearest the transcript's 3' end. VCF-style (leftmost placement, unchanged base first): chr2-15179073-AGGAG-A. GRCh37 (hg19) VCF-style: chr2-15319197-AGGAG-A.
Other names: short protein forms L2251fs.
Identifiers: ClinVar variation 1370419 (VCV001370419.8), dbSNP rs1558413043, ClinGen allele CA531208665.